The following is an entry in ClinVar:

NM_000051.4(ATM):c.7982A>T (p.Asp2661Val)

Genes: ATM (ATM serine/threonine kinase; plus strand), C11orf65 (chromosome 11 open reading frame 65; minus strand). Cytogenetic location: 11q22.3.
Variant type: single nucleotide variant.
Coding change: c.7982A>T on transcript NM_000051.4 (MANE Select); coding-DNA position 7982, A replaced by T.
Protein change: p.Asp2661Val; replaces aspartic acid 2661 with valine.
Molecular consequence: missense variant. On other transcripts: intron variant (2).
Genome position (GRCh38, 1-based): chr11:108,333,940, A>T. VCF-style: chr11-108333940-A-T. GRCh37 (hg19) VCF-style: chr11-108204667-A-T.
Other names: c.7982A>T, p.Asp2661Val (NM_001351834.2); c.641-24869T>A (NM_001330368.2); c.*38+1280T>A (NM_001351110.2); short protein forms D2661V.
Identifiers: ClinVar variation 2453987 (VCV002453987.2), dbSNP rs2136615558, ClinGen allele CA382561762.

ClinVar aggregate classification (germline): Uncertain significance (1 of 4 stars; one submission).

Conditions:
Hereditary cancer-predisposing syndrome. Also called: Tumor predisposition; Hereditary Cancer Syndrome; Hereditary neoplastic syndrome; Neoplastic Syndromes, Hereditary. Identifiers: Orphanet 140162, MedGen C0027672, MeSH D009386, MONDO:0015356.

Submission:

Ambry Genetics
Classification: Uncertain significance for Hereditary cancer-predisposing syndrome. Last evaluated: 2023-02-23. Review status: criteria provided, single submitter. Criteria: Ambry Variant Classification Scheme 2023. Collection method: clinical testing. Allele origin: germline.
Comment: The p.D2661V variant (also known as c.7982A>T), located in coding exon 53 of the ATM gene, results from an A to T substitution at nucleotide position 7982. The aspartic acid at codon 2661 is replaced by valine, an amino acid with highly dissimilar properties. This amino acid position is conserved. In addition, the in silico prediction for this alteration is inconclusive. Since supporting evidence is limited at this time, the clinical significance of this alteration remains unclear.